The following is an entry in ClinVar:

NM_004606.5(TAF1):c.2688G>A (p.Glu896=)

Gene: TAF1 (TATA-box binding protein associated factor 1; plus strand). Cytogenetic location: Xq13.1.
Variant type: single nucleotide variant.
Coding change: c.2688G>A on transcript NM_004606.5 (MANE Select); coding-DNA position 2688, G replaced by A.
Protein change: p.Glu896=; no amino-acid change (glutamic acid 896 retained).
Molecular consequence: synonymous variant. On other transcripts: non-coding transcript variant (9).
Genome position (GRCh38, 1-based): chrX:71,388,856, G>A. VCF-style: chrX-71388856-G-A. GRCh37 (hg19) VCF-style: chrX-70608706-G-A.
Other names: c.2688G>A, p.Glu896= (NM_001286074.2); c.2625G>A, p.Glu875= (NM_138923.4); c.2748G>A (NM_001286074.1).
Identifiers: ClinVar variation 696142 (VCV000696142.37), dbSNP rs148921433, ClinGen allele CA10446901.
Genomic context (GRCh38, chrX:71,388,856, plus strand): 5'-GATCAGAGCTATGGTGTCACCAGAGCAGTGCTGTGCTTATTATAGCATGATAGCTGCAGA[G>A]CAACGACTGAAGGTGAACACCTTCCTCTTAGACACCACTTATGCCTGTGGTTTTTTGTTT-3'
Protein context (NP_004597.3, residues 886-906): CCAYYSMIAA[Glu896=]QRLKDAGYGE

ClinVar aggregate classification (germline): Benign/Likely benign. Review status: criteria provided, multiple submitters, no conflicts (2 of 4 stars). 6 submissions from 6 submitters: Benign (1); Likely benign (2). 3 of the submissions do not count toward it. Last evaluated 2025-05-19.

Conditions:
TAF1-related disorder. Also called: TAF1-related condition.

Allele frequency attached by ClinVar (database versions not stated): 1000 Genomes Project 30x 0.00021; 1000 Genomes Project 0.00026; TOPMed 0.00045; gnomAD exomes 0.00046 and 0.00060; ExAC 0.00057; gnomAD 0.00059 and 0.00060; ESP Exome Variant Server 0.00076.
gnomAD v4.1: 712 of 1,206,529 alleles (0.059%); highest among the groups gnomAD compares: Non-Finnish European, 0.076%; no homozygotes.

Submissions (6):

Labcorp Genetics (formerly Invitae), Labcorp
Classification: Benign. Last evaluated: 2025-05-19. Review status: criteria provided, single submitter. Criteria: Invitae Variant Classification Sherloc (09022015). Collection method: clinical testing. Allele origin: germline.

Blueprint Genetics
Classification: Likely benign. Last evaluated: 2024-07-25. Review status: criteria provided, single submitter. Criteria: ACMG Guidelines, 2015. Collection method: clinical testing. Allele origin: germline.

CeGaT Center for Human Genetics Tuebingen
Classification: Likely benign. Last evaluated: 2023-07-01. Review status: criteria provided, single submitter. Criteria: CeGaT Center For Human Genetics Tuebingen Variant Classification Criteria Version 2. Collection method: clinical testing. Allele origin: germline. Affected: yes. Observed: 4 variant alleles.
Comment: TAF1: BP4, BP7, BS2

PreventionGenetics, part of Exact Sciences
Classification: Likely benign for TAF1-related condition. Last evaluated: 2024-03-07. Review status: no assertion criteria provided. Collection method: clinical testing. Allele origin: germline. Not counted in ClinVar's aggregate classification.
Comment: This variant is classified as likely benign based on ACMG/AMP sequence variant interpretation guidelines (Richards et al. 2015 PMID: 25741868, with internal and published modifications).

Clinical Genetics DNA and cytogenetics Diagnostics Lab, Erasmus MC, Erasmus Medical Center
Classification: Likely benign. Review status: no assertion criteria provided. Collection method: clinical testing. Allele origin: germline. Affected: yes. Study: VKGL Data-share Consensus. Not counted in ClinVar's aggregate classification.

Diagnostic Laboratory, Department of Genetics, University Medical Center Groningen
Classification: Likely benign. Review status: no assertion criteria provided. Collection method: clinical testing. Allele origin: germline. Affected: yes. Study: VKGL Data-share Consensus. Not counted in ClinVar's aggregate classification.